The following is an entry in ClinVar:

NM_016123.4(IRAK4):c.1019C>T (p.Ala340Val)

Gene: IRAK4 (interleukin 1 receptor associated kinase 4; plus strand). Cytogenetic location: 12q12.
Variant type: single nucleotide variant.
Coding change: c.1019C>T on transcript NM_016123.4 (MANE Select); coding-DNA position 1019, C replaced by T.
Protein change: p.Ala340Val; replaces alanine 340 with valine.
Molecular consequence: missense variant.
Genome position (GRCh38, 1-based): chr12:43,782,384, C>T. VCF-style: chr12-43782384-C-T. GRCh37 (hg19) VCF-style: chr12-44176187-C-T.
Other names: c.1019C>T, p.Ala340Val (NM_001114182.3, NM_001351345.2); c.647C>T, p.Ala216Val (NM_001145256.2, NM_001145257.2, NM_001145258.2 and 5 more transcripts); c.410C>T, p.Ala137Val (NM_001351343.2, NM_001351344.2); short protein forms A137V, A216V, A340V.
Identifiers: ClinVar variation 1054045 (VCV001054045.11), dbSNP rs2138046830, ClinGen allele CA384477045.

ClinVar aggregate classification (germline): Uncertain significance (1 of 4 stars; one submission).

Conditions:
Immunodeficiency 67. Also called: Immunodeficiency due to interleukin-1 receptor-associated kinase-4 deficiency. Identifiers: Orphanet 70592, MedGen C1843256, MONDO:0011888, OMIM 607676.

Allele frequency attached by ClinVar (database versions not stated): gnomAD exomes below 0.00001.

Submission:

Labcorp Genetics (formerly Invitae), Labcorp
Classification: Uncertain significance for Immunodeficiency 67. Last evaluated: 2024-02-17. Review status: criteria provided, single submitter. Criteria: Invitae Variant Classification Sherloc (09022015). Collection method: clinical testing. Allele origin: germline.
Comment: This sequence change replaces alanine, which is neutral and non-polar, with valine, which is neutral and non-polar, at codon 340 of the IRAK4 protein (p.Ala340Val). This variant is not present in population databases (gnomAD no frequency). This variant has not been reported in the literature in individuals affected with IRAK4-related conditions. ClinVar contains an entry for this variant (Variation ID: 1054045). Advanced modeling of protein sequence and biophysical properties (such as structural, functional, and spatial information, amino acid conservation, physicochemical variation, residue mobility, and thermodynamic stability) performed at Invitae indicates that this missense variant is not expected to disrupt IRAK4 protein function with a negative predictive value of 80%. In summary, the available evidence is currently insufficient to determine the role of this variant in disease. Therefore, it has been classified as a Variant of Uncertain Significance.